The following is an entry in ClinVar:

NM_006267.5(RANBP2):c.1968A>G (p.Ile656Met)

Gene: RANBP2 (RAN binding protein 2; plus strand). Cytogenetic location: 2q13.
Variant type: single nucleotide variant.
Coding change: c.1968A>G on transcript NM_006267.5 (MANE Select); coding-DNA position 1968, A replaced by G.
Protein change: p.Ile656Met; replaces isoleucine 656 with methionine.
Molecular consequence: missense variant.
Genome position (GRCh38, 1-based): chr2:108,753,476, A>G. VCF-style: chr2-108753476-A-G. GRCh37 (hg19) VCF-style: chr2-109369932-A-G.
Other names: short protein forms I656M.
Identifiers: ClinVar variation 2148107 (VCV002148107.4), dbSNP rs748053086, ClinGen allele CA1822499.

ClinVar aggregate classification (germline): Uncertain significance (1 of 4 stars; one submission).

Conditions:
Familial acute necrotizing encephalopathy (IIAE3). Also called: ENCEPHALOPATHY, ACUTE, INFECTION-INDUCED, SUSCEPTIBILITY TO, 3; Susceptibility to Acute Necrotizing Encephalopathy 1. Identifiers: Orphanet 88619, MedGen C2675556, MONDO:0011953, OMIM 608033.

Allele frequency attached by ClinVar (database versions not stated): gnomAD exomes below 0.00001; TOPMed below 0.00001; gnomAD 0.00001; ExAC 0.00340.
gnomAD v4.1: 5 of 1,611,812 alleles (0.00031%); highest among the groups gnomAD compares: East Asian, 0.0089%; no homozygotes.

Submission:

Labcorp Genetics (formerly Invitae), Labcorp
Classification: Uncertain significance for Familial acute necrotizing encephalopathy. Last evaluated: 2024-11-28. Review status: criteria provided, single submitter. Criteria: Invitae Variant Classification Sherloc (09022015). Collection method: clinical testing. Allele origin: germline.
Comment: This sequence change replaces isoleucine, which is neutral and non-polar, with methionine, which is neutral and non-polar, at codon 656 of the RANBP2 protein (p.Ile656Met). The frequency data for this variant in the population databases is considered unreliable, as metrics indicate poor data quality at this position in the gnomAD database. This variant has not been reported in the literature in individuals affected with RANBP2-related conditions. ClinVar contains an entry for this variant (Variation ID: 2148107). An algorithm developed to predict the effect of missense changes on protein structure and function outputs the following: PolyPhen-2: "Benign". The methionine amino acid residue is found in multiple mammalian species, which suggests that this missense change does not adversely affect protein function. In summary, the available evidence is currently insufficient to determine the role of this variant in disease. Therefore, it has been classified as a Variant of Uncertain Significance.